The following is an entry in ClinVar:

NM_138694.4(PKHD1):c.588G>A (p.Arg196=)

Gene: PKHD1 (PKHD1 ciliary IPT domain containing fibrocystin/polyductin; minus strand). Cytogenetic location: 6p12.2.
Variant type: single nucleotide variant.
Coding change: c.588G>A on transcript NM_138694.4 (MANE Select); coding-DNA position 588, G replaced by A.
Protein change: p.Arg196=; no amino-acid change (arginine 196 retained).
Molecular consequence: synonymous variant.
Genome position (GRCh38, 1-based): chr6:52,072,129, C>T on the plus strand (G>A on the coding strand, the complement: PKHD1 is on the minus strand). VCF-style: chr6-52072129-C-T. GRCh37 (hg19) VCF-style: chr6-51936927-C-T.
Other names: c.588G>A (NM_138694.3); c.588G>A, p.Arg196= (NM_170724.3).
Identifiers: ClinVar variation 1133058 (VCV001133058.12), dbSNP rs201773743, ClinGen allele CA3853871.

ClinVar aggregate classification (germline): Likely benign. Review status: criteria provided, multiple submitters, no conflicts (2 of 4 stars). 3 submissions from 3 submitters: Likely benign (2). 1 of the submissions does not count toward it. Last evaluated 2026-01-13.

Conditions:
Polycystic kidney disease 4 (PKD4). Also called: POLYCYSTIC KIDNEY AND HEPATIC DISEASE 1; POLYCYSTIC KIDNEY DISEASE, INFANTILE, TYPE I; Autosomal Recessive Polycystic Kidney Disease – PKHD1; POLYCYSTIC KIDNEY DISEASE 4 WITH OR WITHOUT POLYCYSTIC LIVER DISEASE; PKD3. Identifiers: MedGen C4540575, MONDO:0033004, OMIM 263200.
PKHD1-related disorder. Also called: PKHD1-related condition.
Autosomal recessive polycystic kidney disease (ARPKD). Also called: AR polycystic kidney disease. Identifiers: Orphanet 731, Orphanet 8378, MedGen C0085548, MeSH D017044, MONDO:0009889.

Allele frequency attached by ClinVar (database versions not stated): gnomAD exomes below 0.00001 and 0.00001; ExAC 0.00001; gnomAD 0.00014 and 0.00015; 1000 Genomes Project 0.00020; 1000 Genomes Project 30x 0.00031.
gnomAD v4.1: 30 of 1,603,976 alleles (0.0019%); highest among the groups gnomAD compares: Admixed American, 0.037%; 1 homozygote.

Submissions (3):

Labcorp Genetics (formerly Invitae), Labcorp
Classification: Likely benign for Autosomal recessive polycystic kidney disease. Last evaluated: 2026-01-13. Review status: criteria provided, single submitter. Criteria: Invitae Variant Classification Sherloc (09022015). Collection method: clinical testing. Allele origin: germline.

Fulgent Genetics
Classification: Likely benign for Polycystic kidney disease 4. Last evaluated: 2022-02-24. Review status: criteria provided, single submitter. Criteria: ACMG Guidelines, 2015. Collection method: clinical testing. Allele origin: unknown.

PreventionGenetics, part of Exact Sciences
Classification: Likely benign for PKHD1-related condition. Last evaluated: 2023-08-01. Review status: no assertion criteria provided. Collection method: clinical testing. Allele origin: germline. Not counted in ClinVar's aggregate classification.
Comment: This variant is classified as likely benign based on ACMG/AMP sequence variant interpretation guidelines (Richards et al. 2015 PMID: 25741868, with internal and published modifications).